The following is an entry in ClinVar:

NM_001385641.1(SAMD11):c.959G>A (p.Arg320Gln)

Gene: SAMD11 (sterile alpha motif domain containing 11; plus strand). Cytogenetic location: 1p36.33.
Variant type: single nucleotide variant.
Coding change: c.959G>A on transcript NM_001385641.1 (MANE Select); coding-DNA position 959, G replaced by A.
Protein change: p.Arg320Gln; replaces arginine 320 with glutamine.
Molecular consequence: missense variant.
Genome position (GRCh38, 1-based): chr1:935,888, G>A. VCF-style: chr1-935888-G-A. GRCh37 (hg19) VCF-style: chr1-871268-G-A.
Other names: c.959G>A, p.Arg320Gln (NM_001385640.1); c.422G>A, p.Arg141Gln (NM_152486.4); c.422G>A (NM_152486.2); short protein forms R141Q, R320Q.
Identifiers: ClinVar variation 1365896 (VCV001365896.8), dbSNP rs760083651, ClinGen allele CA502599.

ClinVar aggregate classification (germline): Uncertain significance. Review status: criteria provided, multiple submitters, no conflicts (2 of 4 stars). 3 submissions from 3 submitters: Uncertain significance (3). Last evaluated 2025-04-16.

Allele frequency attached by ClinVar (database versions not stated): ExAC 0.00002; gnomAD 0.00003; TOPMed 0.00003.
gnomAD v4.1: 22 of 1,611,542 alleles (0.0014%); highest among the groups gnomAD compares: Admixed American, 0.03%; no homozygotes.

Submissions (3):

Labcorp Genetics (formerly Invitae), Labcorp
Classification: Uncertain significance. Last evaluated: 2025-04-16. Review status: criteria provided, single submitter. Criteria: Invitae Variant Classification Sherloc (09022015). Collection method: clinical testing. Allele origin: germline.
Comment: This sequence change replaces arginine, which is basic and polar, with glutamine, which is neutral and polar, at codon 141 of the SAMD11 protein (p.Arg141Gln). This variant is present in population databases (rs760083651, gnomAD 0.04%). This variant has not been reported in the literature in individuals affected with SAMD11-related conditions. ClinVar contains an entry for this variant (Variation ID: 1365896). An algorithm developed to predict the effect of missense changes on protein structure and function (PolyPhen-2) suggests that this variant is likely to be tolerated. In summary, the available evidence is currently insufficient to determine the role of this variant in disease. Therefore, it has been classified as a Variant of Uncertain Significance.

Ambry Genetics
Classification: Uncertain significance. Last evaluated: 2021-08-02. Review status: criteria provided, single submitter. Criteria: Ambry Variant Classification Scheme 2023. Collection method: clinical testing. Allele origin: germline.

Blueprint Genetics
Classification: Uncertain significance. Last evaluated: 2020-11-12. Review status: criteria provided, single submitter. Criteria: ACMG Guidelines, 2015. Collection method: clinical testing. Allele origin: germline.